The following is an entry in ClinVar:

NM_015164.4(PLEKHM2):c.3010C>T (p.Arg1004Trp)

Gene: PLEKHM2 (pleckstrin homology and RUN domain containing M2; plus strand). Cytogenetic location: 1p36.21.
Variant type: single nucleotide variant.
Coding change: c.3010C>T on transcript NM_015164.4 (MANE Select); coding-DNA position 3010, C replaced by T.
Protein change: p.Arg1004Trp; replaces arginine 1004 with tryptophan.
Molecular consequence: missense variant.
Genome position (GRCh38, 1-based): chr1:15,733,884, C>T. VCF-style: chr1-15733884-C-T. GRCh37 (hg19) VCF-style: chr1-16060379-C-T.
Other names: short protein forms R1004W.
Identifiers: ClinVar variation 1483071 (VCV001483071.8), dbSNP rs767576522, ClinGen allele CA617424.

ClinVar aggregate classification (germline): Uncertain significance (1 of 4 stars; one submission).

Allele frequency attached by ClinVar (database versions not stated): gnomAD 0.00001; gnomAD exomes 0.00002 and 0.00003; ExAC 0.00003.
gnomAD v4.1: 36 of 1,612,834 alleles (0.0022%); highest among the groups gnomAD compares: East Asian, 0.0045%; no homozygotes.

Submission:

Labcorp Genetics (formerly Invitae), Labcorp
Classification: Uncertain significance. Last evaluated: 2025-07-27. Review status: criteria provided, single submitter. Criteria: Invitae Variant Classification Sherloc (09022015). Collection method: clinical testing. Allele origin: germline.
Comment: This sequence change replaces arginine, which is basic and polar, with tryptophan, which is neutral and slightly polar, at codon 1004 of the PLEKHM2 protein (p.Arg1004Trp). This variant is present in population databases (rs767576522, gnomAD 0.01%). This variant has not been reported in the literature in individuals affected with PLEKHM2-related conditions. ClinVar contains an entry for this variant (Variation ID: 1483071). An algorithm developed to predict the effect of missense changes on protein structure and function (PolyPhen-2) suggests that this variant is likely to be disruptive. In summary, the available evidence is currently insufficient to determine the role of this variant in disease. Therefore, it has been classified as a Variant of Uncertain Significance.